The following is an entry in ClinVar:

NM_001042492.3(NF1):c.1036dup (p.Val346fs)

Gene: NF1 (neurofibromin 1; plus strand). Cytogenetic location: 17q11.2.
Variant type: Duplication.
Coding change: c.1036dup on transcript NM_001042492.3 (MANE Select); coding-DNA position 1036, one base duplicated (G; older notation c.1036dupG).
Protein change: p.Val346fs; shifts the reading frame from valine 346.
Molecular consequence: frameshift variant.
Genome position (GRCh38, 1-based): chr17:31,200,569, G duplicated. VCF-style (leftmost placement, unchanged base first): chr17-31200568-T-TG. GRCh37 (hg19) VCF-style: chr17-29527586-T-TG.
Other names: c.1036dup, p.Val346Glyfs (NM_000267.4); c.1036dup, p.Val346fs (NM_001128147.3); short protein forms V346fs.
Identifiers: ClinVar variation 2699164 (VCV002699164.3), dbSNP rs2544794313, ClinGen allele CA2697559681.

ClinVar aggregate classification (germline): Pathogenic (1 of 4 stars; one submission).

Conditions:
Neurofibromatosis, type 1 (NF1). Also called: Peripheral type neurofibromatosis; VON RECKLINGHAUSEN DISEASE; Neurofibromatosis, type I; NEUROFIBROMATOSIS, TYPE I, SOMATIC. Identifiers: Orphanet 636, MedGen C0027831, MONDO:0018975, OMIM 162200. Disease mechanism: loss of function.

Submission:

Labcorp Genetics (formerly Invitae), Labcorp
Classification: Pathogenic for Neurofibromatosis, type 1. Last evaluated: 2023-06-09. Review status: criteria provided, single submitter. Criteria: Invitae Variant Classification Sherloc (09022015). Collection method: clinical testing. Allele origin: germline.
Comment: This sequence change creates a premature translational stop signal (p.Val346Glyfs*7) in the NF1 gene. It is expected to result in an absent or disrupted protein product. Loss-of-function variants in NF1 are known to be pathogenic (PMID: 10712197, 23913538). This variant is not present in population databases (gnomAD no frequency). This variant has not been reported in the literature in individuals affected with NF1-related conditions. For these reasons, this variant has been classified as Pathogenic.

Literature cited by the submitters: PubMed 10712197; PubMed 23913538.